The following is an entry in ClinVar:

NM_152564.5(VPS13B):c.1495_1498del (p.Phe499fs)

Gene: VPS13B (vacuolar protein sorting 13 homolog B; plus strand). Cytogenetic location: 8q22.2.
Variant type: Deletion.
Coding change: c.1495_1498del on transcript NM_152564.5 (MANE Select); coding-DNA positions 1495 to 1498, 4 bases deleted (TTTG; older notation c.1495_1498delTTTG).
Protein change: p.Phe499fs; shifts the reading frame from phenylalanine 499.
Molecular consequence: frameshift variant.
Genome position (GRCh38, 1-based): chr8:99,135,665-99,135,668, TTTG deleted; deleting any 4 consecutive bases within chr8:99,135,662-99,135,668 gives the same sequence; the c. name uses the placement nearest the transcript's 3' end. VCF-style (leftmost placement, unchanged base first): chr8-99135661-ATTGT-A. GRCh37 (hg19) VCF-style: chr8-100147889-ATTGT-A.
Other names: c.1495_1498delTTTG (NM_017890.4); c.1495_1498del, p.Phe499fs (NM_015243.3, NM_017890.5); short protein forms F499fs.
Identifiers: ClinVar variation 371496 (VCV000371496.4), dbSNP rs1057517319, ClinGen allele CA16041224.

ClinVar aggregate classification (germline): Likely pathogenic. Review status: criteria provided, single submitter (1 of 4 stars). 2 submissions from 2 submitters: Likely pathogenic (1). 1 of the submissions does not count toward it. Last evaluated 2026-06-12.

Conditions:
Cohen syndrome (COH1). Also called: PEPPER SYNDROME; Cutis verticis gyrata, retinitis pigmentosa, and sensorineural deafness. Identifiers: Orphanet 193, MedGen C0265223, MONDO:0008999, OMIM 216550.

Submissions (2):

Institute of Human Genetics, Heidelberg University
Classification: Likely pathogenic for Cohen syndrome. Last evaluated: 2026-06-12. Review status: criteria provided, single submitter. Criteria: ACMG Guidelines, 2015. Collection method: clinical testing. Allele origin: maternal. Affected: yes. Observed: 2 variant alleles.
Comment: PVS1_; PM2_sup (A second variant in the same gene, not mat. inherited was found)

Counsyl
Classification: Likely pathogenic for Cohen syndrome. Last evaluated: 2016-10-05. Review status: no assertion criteria provided. Collection method: clinical testing. Allele origin: unknown. Not counted in ClinVar's aggregate classification.